The following is an entry in ClinVar:

ClinVar aggregate classification (germline): Uncertain significance (1 of 4 stars; one submission).

Conditions:
Hereditary cancer-predisposing syndrome. Also called: Neoplastic Syndromes, Hereditary; Tumor predisposition; Hereditary Cancer Syndrome; Hereditary neoplastic syndrome. Identifiers: Orphanet 140162, MedGen C0027672, MeSH D009386, MONDO:0015356.

Submission:

Ambry Genetics
Classification: Uncertain significance for Hereditary cancer-predisposing syndrome. Last evaluated: 2025-10-22. Review status: criteria provided, single submitter. Criteria: Ambry Variant Classification Scheme 2023. Collection method: clinical testing. Allele origin: germline.
Comment: The p.K44N variant (also known as c.132G>T), located in coding exon 2 of the NF2 gene, results from a G to T substitution at nucleotide position 132. The lysine at codon 44 is replaced by asparagine, an amino acid with similar properties. This amino acid position is highly conserved in available vertebrate species. In addition, the in silico prediction for this alteration is inconclusive. Based on the available evidence, the clinical significance of this variant remains unclear.

NM_000268.4(NF2):c.132G>T (p.Lys44Asn)

Gene: NF2 (NF2, moesin-ezrin-radixin like (MERLIN) tumor suppressor; plus strand). Cytogenetic location: 22q12.2.
Variant type: single nucleotide variant.
Coding change: c.132G>T on transcript NM_000268.4 (MANE Select); coding-DNA position 132, G replaced by T.
Protein change: p.Lys44Asn; replaces lysine 44 with asparagine.
Molecular consequence: missense variant. On other transcripts: 5 prime UTR variant (2), intron variant (6).
Genome position (GRCh38, 1-based): chr22:29,636,768, G>T. VCF-style: chr22-29636768-G-T. GRCh37 (hg19) VCF-style: chr22-30032757-G-T.
Other names: c.132G>T, p.Lys44Asn (NM_001407058.1, NM_001407059.1, NM_001407060.1 and 9 more transcripts); c.-509G>T (NM_001407065.1); c.-125G>T (NM_001407067.1); c.115-2322G>T (NM_181828.3, NM_001407055.1); c.115-5434G>T (NM_001407063.1, NM_181830.3, NM_001407064.1 and 1 more transcripts); c.18G>T, p.Lys6Asn (NM_001407053.1, NM_001407056.1); short protein forms K44N, K6N.
Identifiers: ClinVar variation 4661381 (VCV004661381.1).
Genomic context (GRCh38, chr22:29,636,768, plus strand): 5'-ATTTTTGCTCACAGTGTCCTTCCCCATTGGTTTGTTATTGCAGATGAAGTGGAAAGGGAA[G>T]GACCTCTTTGATTTGGTGTGCCGGACTCTGGGGCTCCGAGAAACCTGGTTCTTTGGACTG-3'
Protein context (NP_000259.1, residues 34-54): EFNCEMKWKG[Lys44Asn]DLFDLVCRTL